The following is an entry in ClinVar:

ClinVar aggregate classification (germline): Conflicting classifications of pathogenicity. Review status: criteria provided, conflicting classifications (1 of 4 stars). 5 submissions from 5 submitters: Uncertain significance (3); Benign (1); Likely benign (1). Last evaluated 2025-08-23.

Conditions:
Ehlers-Danlos syndrome (EDS). Identifiers: Orphanet 98249, MedGen C0013720, MONDO:0020066.
Cardiovascular phenotype. Identifiers: MedGen CN230736.
Osteogenesis imperfecta type I (OI1). Also called: Lobstein's Disease; Osteogenesis imperfecta type 1; Lobstein disease; Classic Non-deforming Osteogenesis Imperfecta with Blue Sclerae; OI, TYPE I; OSTEOGENESIS IMPERFECTA TARDA. Identifiers: Orphanet 216796, Orphanet 666, MedGen C0023931, MONDO:0008146, OMIM 166200. Disease mechanism: loss of function.

Allele frequency attached by ClinVar (database versions not stated): gnomAD exomes 0.00002 and 0.00008; ExAC 0.00003; TOPMed 0.00005; gnomAD 0.00007; ESP Exome Variant Server 0.00015.
gnomAD v4.1: 124 of 1,613,518 alleles (0.0077%); highest among the groups gnomAD compares: Non-Finnish European, 0.01%; no homozygotes.

Submissions (5):

Labcorp Genetics (formerly Invitae), Labcorp
Classification: Uncertain significance for Osteogenesis imperfecta type I. Last evaluated: 2025-08-23. Review status: criteria provided, single submitter. Criteria: Invitae Variant Classification Sherloc (09022015). Collection method: clinical testing. Allele origin: germline.
Comment: This sequence change falls in intron 47 of the COL1A1 gene. It does not directly change the encoded amino acid sequence of the COL1A1 protein. It affects a nucleotide within the consensus splice site. This variant is present in population databases (rs369283493, gnomAD 0.005%). This variant has not been reported in the literature in individuals affected with COL1A1-related conditions. ClinVar contains an entry for this variant (Variation ID: 1429235). Variants that disrupt the consensus splice site are a relatively common cause of aberrant splicing (PMID: 17576681, 9536098). Algorithms developed to predict the effect of sequence changes on RNA splicing suggest that this variant is not likely to affect RNA splicing. In summary, the available evidence is currently insufficient to determine the role of this variant in disease. Therefore, it has been classified as a Variant of Uncertain Significance.

Women's Health and Genetics/Laboratory Corporation of America, LabCorp
Classification: Benign. Last evaluated: 2025-04-28. Review status: criteria provided, single submitter. Criteria: LabCorp Variant Classification Summary - May 2015. Collection method: clinical testing. Allele origin: germline.
Comment: Variant summary: COL1A1 c.3532-3C>T alters a conserved nucleotide located close to a canonical splice site and therefore could affect mRNA splicing, leading to a significantly altered protein sequence. Consensus agreement among computation tools predicts no significant impact on normal splicing. However, these predictions have yet to be confirmed by functional studies. The variant allele was found at a frequency of 7.7e-05 in 1606522 control chromosomes. The observed variant frequency is approximately 2.6-fold of the estimated maximal expected allele frequency for a pathogenic variant in COL1A1 causing Osteogenesis imperfecta type I phenotype (3e-05). To our knowledge, no occurrence of c.3532-3C>T in individuals affected with Osteogenesis imperfecta type I and no experimental evidence demonstrating its impact on protein function have been reported. ClinVar contains an entry for this variant (Variation ID: 1429235). Based on the evidence outlined above, the variant was classified as benign.

Ambry Genetics
Classification: Uncertain significance for Cardiovascular phenotype. Last evaluated: 2024-04-18. Review status: criteria provided, single submitter. Criteria: Ambry Variant Classification Scheme 2023. Collection method: clinical testing. Allele origin: germline.
Comment: The c.3532-3C>T intronic variant results from a C to T substitution 3 nucleotides upstream from coding exon 48 in the COL1A1 gene. This nucleotide position is well conserved in available vertebrate species. In silico splice site analysis predicts that this alteration will not have any significant effect on splicing. Based on the available evidence, the clinical significance of this variant remains unclear.

Mayo Clinic Laboratories, Mayo Clinic
Classification: Uncertain significance. Last evaluated: 2023-08-15. Review status: criteria provided, single submitter. Criteria: ACMG Guidelines, 2015. Collection method: clinical testing. Allele origin: germline. Observed: 1 variant allele.
Comment: BP4, BP7

Genome Diagnostics Laboratory, The Hospital for Sick Children
Classification: Likely benign for Ehlers-Danlos syndrome. Last evaluated: 2021-04-16. Review status: criteria provided, single submitter. Criteria: ACMG Guidelines, 2015. Collection method: clinical testing. Allele origin: germline.

Literature cited by the submitters: PubMed 17576681 (cited by Labcorp Genetics (formerly Invitae), Labcorp); PubMed 9536098 (cited by Labcorp Genetics (formerly Invitae), Labcorp).

NM_000088.4(COL1A1):c.3532-3C>T

Gene: COL1A1 (collagen type I alpha 1 chain; minus strand). Cytogenetic location: 17q21.33.
Variant type: single nucleotide variant.
Coding change: c.3532-3C>T on transcript NM_000088.4 (MANE Select); 3 bases into the intron before coding-DNA position 3532, C replaced by T.
Molecular consequence: intron variant.
Genome position (GRCh38, 1-based): chr17:50,186,925, G>A on the plus strand (C>T on the coding strand, the complement: COL1A1 is on the minus strand). VCF-style: chr17-50186925-G-A. GRCh37 (hg19) VCF-style: chr17-48264286-G-A.
Other names: p.?.
Identifiers: ClinVar variation 1429235 (VCV001429235.13), dbSNP rs369283493, ClinGen allele CA8644404.